The following is an entry in ClinVar:

NM_004304.5(ALK):c.688C>T (p.Pro230Ser)

Gene: ALK (ALK receptor tyrosine kinase; minus strand). Cytogenetic location: 2p23.2.
Variant type: single nucleotide variant.
Coding change: c.688C>T on transcript NM_004304.5 (MANE Select); coding-DNA position 688, C replaced by T.
Protein change: p.Pro230Ser; replaces proline 230 with serine.
Molecular consequence: missense variant.
Genome position (GRCh38, 1-based): chr2:29,717,677, G>A on the plus strand (C>T on the coding strand, the complement: ALK is on the minus strand). VCF-style: chr2-29717677-G-A. GRCh37 (hg19) VCF-style: chr2-29940543-G-A.
Other names: short protein forms P230S.
Identifiers: ClinVar variation 1755987 (VCV001755987.5), dbSNP rs1280050120, ClinGen allele CA346587813.

ClinVar aggregate classification (germline): Uncertain significance. Review status: criteria provided, multiple submitters, no conflicts (2 of 4 stars). 3 submissions from 3 submitters: Uncertain significance (3). Last evaluated 2025-01-23.

Conditions:
Hereditary cancer-predisposing syndrome. Also called: Neoplastic Syndromes, Hereditary; Tumor predisposition; Hereditary neoplastic syndrome; Hereditary Cancer Syndrome. Identifiers: Orphanet 140162, MedGen C0027672, MeSH D009386, MONDO:0015356.
Neuroblastoma, susceptibility to, 3. Also called: ALK-Related Neuroblastic Tumor Susceptibility. Identifiers: Orphanet 635, MedGen C2751681, MONDO:0013083, OMIM 613014.

Allele frequency attached by ClinVar (database versions not stated): gnomAD exomes below 0.00001.

Submissions (3):

Labcorp Genetics (formerly Invitae), Labcorp
Classification: Uncertain significance for Neuroblastoma, susceptibility to, 3. Last evaluated: 2025-01-23. Review status: criteria provided, single submitter. Criteria: Invitae Variant Classification Sherloc (09022015). Collection method: clinical testing. Allele origin: germline.
Comment: This sequence change replaces proline, which is neutral and non-polar, with serine, which is neutral and polar, at codon 230 of the ALK protein (p.Pro230Ser). This variant is not present in population databases (gnomAD no frequency). This variant has not been reported in the literature in individuals affected with ALK-related conditions. ClinVar contains an entry for this variant (Variation ID: 1755987). An algorithm developed to predict the effect of missense changes on protein structure and function outputs the following: PolyPhen-2: "Benign". The serine amino acid residue is found in multiple mammalian species, which suggests that this missense change does not adversely affect protein function. In summary, the available evidence is currently insufficient to determine the role of this variant in disease. Therefore, it has been classified as a Variant of Uncertain Significance.

GeneDx
Classification: Uncertain significance. Last evaluated: 2024-05-07. Review status: criteria provided, single submitter. Criteria: GeneDx Variant Classification Process June 2021. Collection method: clinical testing. Allele origin: germline. Affected: yes.
Comment: Not observed at significant frequency in large population cohorts (gnomAD); In silico analysis indicates that this missense variant does not alter protein structure/function; Has not been previously published as pathogenic or benign to our knowledge

Ambry Genetics
Classification: Uncertain significance for Hereditary cancer-predisposing syndrome. Last evaluated: 2022-03-04. Review status: criteria provided, single submitter. Criteria: Ambry Variant Classification Scheme 2023. Collection method: clinical testing. Allele origin: germline.
Comment: The p.P230S variant (also known as c.688C>T), located in coding exon 2 of the ALK gene, results from a C to T substitution at nucleotide position 688. The proline at codon 230 is replaced by serine, an amino acid with similar properties. This amino acid position is conserved. In addition, this alteration is predicted to be tolerated by in silico analysis. Since supporting evidence is limited at this time, the clinical significance of this alteration remains unclear.